The following is an entry in ClinVar:

ClinVar aggregate classification (germline): Likely pathogenic (1 of 4 stars; one submission).

Conditions:
Jeune thoracic dystrophy. Also called: Short-rib thoracic dysplasia; Jeune syndrome; Infantile thoracic dystrophy; Thoracic pelvic phalangeal dystrophy; Jeune's syndrome; Chondroectodermal dysplasia-like syndrome. Identifiers: Orphanet 474, MedGen C0265275, MONDO:0018770.

Allele frequency attached by ClinVar (database versions not stated): gnomAD exomes below 0.00001; ExAC 0.00002.
gnomAD v4.1: 2 of 1,602,326 alleles (0.00012%); highest among the groups gnomAD compares: South Asian, 0.0023%; no homozygotes.

Submission:

Labcorp Genetics (formerly Invitae), Labcorp
Classification: Likely pathogenic for Jeune thoracic dystrophy. Last evaluated: 2023-08-03. Review status: criteria provided, single submitter. Criteria: Invitae Variant Classification Sherloc (09022015). Collection method: clinical testing. Allele origin: germline.
Comment: This sequence change affects a donor splice site in intron 25 of the DYNC2H1 gene. It is expected to disrupt RNA splicing. Variants that disrupt the donor or acceptor splice site typically lead to a loss of protein function (PMID: 16199547), and loss-of-function variants in DYNC2H1 are known to be pathogenic (PMID: 23339108, 32753734, 33755199). Algorithms developed to predict the effect of sequence changes on RNA splicing suggest that this variant may disrupt the consensus splice site. This variant has not been reported in the literature in individuals affected with DYNC2H1-related conditions. This variant is present in population databases (rs781299070, gnomAD 0.007%). In summary, the currently available evidence indicates that the variant is pathogenic, but additional data are needed to prove that conclusively. Therefore, this variant has been classified as Likely Pathogenic.

Literature cited by the submitters: PubMed 16199547; PubMed 23339108; PubMed 32753734; PubMed 33755199.

NM_001377.3(DYNC2H1):c.3744+1G>A

Gene: DYNC2H1 (dynein cytoplasmic 2 heavy chain 1; plus strand). Cytogenetic location: 11q22.3.
Variant type: single nucleotide variant.
Coding change: c.3744+1G>A on transcript NM_001377.3 (MANE Select); the canonical splice donor site of the intron after coding-DNA position 3744, G replaced by A.
Molecular consequence: splice donor variant.
Genome position (GRCh38, 1-based): chr11:103,155,502, G>A. VCF-style: chr11-103155502-G-A. GRCh37 (hg19) VCF-style: chr11-103026231-G-A.
Other names: c.3744+1G>A (NM_001080463.2).
Identifiers: ClinVar variation 2791584 (VCV002791584.3), dbSNP rs781299070, ClinGen allele CA6253383.